The following is an entry in ClinVar:

NM_032833.5(PPP1R15B):c.1117C>G (p.Pro373Ala)

Gene: PPP1R15B (protein phosphatase 1 regulatory subunit 15B; minus strand). Cytogenetic location: 1q32.1.
Variant type: single nucleotide variant.
Coding change: c.1117C>G on transcript NM_032833.5 (MANE Select); coding-DNA position 1117, C replaced by G.
Protein change: p.Pro373Ala; replaces proline 373 with alanine.
Molecular consequence: missense variant.
Genome position (GRCh38, 1-based): chr1:204,410,295, G>C on the plus strand (C>G on the coding strand, the complement: PPP1R15B is on the minus strand). VCF-style: chr1-204410295-G-C. GRCh37 (hg19) VCF-style: chr1-204379423-G-C.
Other names: short protein forms P373A.
Identifiers: ClinVar variation 2842514 (VCV002842514.3), dbSNP rs146182857, ClinGen allele CA344353375.

ClinVar aggregate classification (germline): Uncertain significance (1 of 4 stars; one submission).

Submission:

Labcorp Genetics (formerly Invitae), Labcorp
Classification: Uncertain significance. Last evaluated: 2025-02-17. Review status: criteria provided, single submitter. Criteria: Invitae Variant Classification Sherloc (09022015). Collection method: clinical testing. Allele origin: germline.
Comment: This sequence change replaces proline, which is neutral and non-polar, with alanine, which is neutral and non-polar, at codon 373 of the PPP1R15B protein (p.Pro373Ala). This variant is not present in population databases (gnomAD no frequency). This variant has not been reported in the literature in individuals affected with PPP1R15B-related conditions. ClinVar contains an entry for this variant (Variation ID: 2842514). Invitae Evidence Modeling of protein sequence and biophysical properties (such as structural, functional, and spatial information, amino acid conservation, physicochemical variation, residue mobility, and thermodynamic stability) indicates that this missense variant is not expected to disrupt PPP1R15B protein function with a negative predictive value of 80%. In summary, the available evidence is currently insufficient to determine the role of this variant in disease. Therefore, it has been classified as a Variant of Uncertain Significance.